The following is an entry in ClinVar:

NM_001852.4(COL9A2):c.738+10T>C

Gene: COL9A2 (collagen type IX alpha 2 chain; minus strand). Cytogenetic location: 1p34.2.
Variant type: single nucleotide variant.
Coding change: c.738+10T>C on transcript NM_001852.4 (MANE Select); 10 bases into the intron after coding-DNA position 738, T replaced by C.
Molecular consequence: intron variant.
Genome position (GRCh38, 1-based): chr1:40,310,254, A>G on the plus strand (T>C on the coding strand, the complement: COL9A2 is on the minus strand). VCF-style: chr1-40310254-A-G. GRCh37 (hg19) VCF-style: chr1-40775926-A-G.
Other names: p.?.
Identifiers: ClinVar variation 258394 (VCV000258394.24), dbSNP rs56326652, ClinGen allele CA791788.

ClinVar aggregate classification (germline): Benign. Review status: criteria provided, multiple submitters, no conflicts (2 of 4 stars). 11 submissions from 11 submitters: Benign (9). 2 of the submissions do not count toward it. Last evaluated 2026-05-09.

Conditions:
Connective tissue disorder. Also called: Connective tissue disease. Identifiers: MedGen C0009782, MONDO:0003900.
Epiphyseal dysplasia, multiple, 2 (EDM2). Also called: COL9A2-Related Multiple Epiphyseal Dysplasia. Identifiers: MedGen C1838429, MONDO:0010844, OMIM 600204.

Allele frequency attached by ClinVar (database versions not stated): 1000 Genomes Project 30x 0.02405; 1000 Genomes Project 0.02476; TOPMed 0.03650; gnomAD 0.04284 and 0.04354; gnomAD exomes 0.04443 and 0.05475; ExAC 0.04500; ESP Exome Variant Server 0.04659.
gnomAD v4.1: 86,067 of 1,613,950 alleles (5.3%); highest among the groups gnomAD compares: Non-Finnish European, 6.1%; 2,581 homozygotes.

Submissions (11):

Women's Health and Genetics/Laboratory Corporation of America, LabCorp
Classification: Benign. Last evaluated: 2026-05-09. Review status: criteria provided, single submitter. Criteria: LabCorp Variant Classification Summary - May 2015. Collection method: clinical testing. Allele origin: germline.

Labcorp Genetics (formerly Invitae), Labcorp
Classification: Benign. Last evaluated: 2026-02-04. Review status: criteria provided, single submitter. Criteria: Invitae Variant Classification Sherloc (09022015). Collection method: clinical testing. Allele origin: germline.

Blueprint Genetics
Classification: Benign. Last evaluated: 2024-11-26. Review status: criteria provided, single submitter. Criteria: ACMG Guidelines, 2015. Collection method: clinical testing. Allele origin: germline.

Genome Diagnostics Laboratory, The Hospital for Sick Children
Classification: Benign for Connective tissue disorder. Last evaluated: 2022-05-12. Review status: criteria provided, single submitter. Criteria: ACMG Guidelines, 2015. Collection method: clinical testing. Allele origin: germline.

Mayo Clinic Laboratories, Mayo Clinic
Classification: Benign. Last evaluated: 2020-12-03. Review status: criteria provided, single submitter. Criteria: ACMG Guidelines, 2015. Collection method: clinical testing. Allele origin: germline. Observed: 25 variant alleles.

Illumina Laboratory Services, Illumina
Classification: Benign for Epiphyseal dysplasia, multiple, 2. Last evaluated: 2018-01-13. Review status: criteria provided, single submitter. Criteria: ICSL Variant Classification Criteria 13 December 2019. Collection method: clinical testing. Allele origin: germline.
Comment: This variant was observed in the ICSL laboratory as part of a predisposition screen in an ostensibly healthy population. It had not been previously curated by ICSL or reported in the Human Gene Mutation Database (HGMD: prior to June 1st, 2018), and was therefore a candidate for classification through an automated scoring system. Utilizing variant allele frequency, disease prevalence and penetrance estimates, and inheritance mode, an automated score was calculated to assess if this variant is too frequent to cause the disease. Based on the score and internal cut-off values, a variant classified as benign is not then subjected to further curation. The score for this variant resulted in a classification of benign for this disease.

GeneDx
Classification: Benign. Last evaluated: 2016-10-17. Review status: criteria provided, single submitter. Criteria: GeneDx Variant Classification (06012015). Collection method: clinical testing. Allele origin: germline. Affected: yes.
Comment: This variant is considered likely benign or benign based on one or more of the following criteria: it is a conservative change, it occurs at a poorly conserved position in the protein, it is predicted to be benign by multiple in silico algorithms, and/or has population frequency not consistent with disease.

Breakthrough Genomics
Classification: Benign. Review status: criteria provided, single submitter. Criteria: ACMG Guidelines, 2015. Collection method: not provided. Allele origin: germline. Inheritance: Autosomal recessive inheritance. Affected: yes.

PreventionGenetics, part of Exact Sciences
Classification: Benign. Review status: criteria provided, single submitter. Criteria: ACMG Guidelines, 2015. Collection method: clinical testing. Allele origin: germline.

Genome Diagnostics Laboratory, Amsterdam University Medical Center
Classification: Benign. Review status: no assertion criteria provided. Collection method: clinical testing. Allele origin: germline. Affected: yes. Study: VKGL Data-share Consensus. Not counted in ClinVar's aggregate classification.

Joint Genome Diagnostic Labs from Nijmegen and Maastricht, Radboudumc and MUMC+
Classification: Benign. Review status: no assertion criteria provided. Collection method: clinical testing. Allele origin: germline. Affected: yes. Study: VKGL Data-share Consensus. Not counted in ClinVar's aggregate classification.